The following is an entry in ClinVar:

ClinVar aggregate classification (germline): Conflicting classifications of pathogenicity. Review status: criteria provided, conflicting classifications (1 of 4 stars). 4 submissions from 4 submitters: Uncertain significance (1); Likely benign (3). Last evaluated 2026-08-01.

Conditions:
Fanconi anemia (FA). Also called: Fanconi's anemia. Identifiers: Orphanet 84, MedGen C0015625, MeSH D005199, MONDO:0019391.
Fanconi anemia complementation group D2. Also called: FANCD2-Related Fanconi Anemia; FANCONI PANCYTOPENIA, TYPE 4; FANCONI ANEMIA, COMPLEMENTATION GROUP D. Identifiers: Orphanet 84, MedGen C3160738, MONDO:0009214, OMIM 227646.

Allele frequency attached by ClinVar (database versions not stated): gnomAD exomes 0.00011; ExAC 0.00012; gnomAD 0.00013 and 0.00014; TOPMed 0.00014.
gnomAD v4.1: 165 of 1,613,242 alleles (0.01%); highest among the groups gnomAD compares: Admixed American, 0.03%; no homozygotes.

Submissions (4):

CeGaT Center for Human Genetics Tuebingen
Classification: Likely benign. Last evaluated: 2026-08-01. Review status: criteria provided, single submitter. Criteria: CeGaT Center For Human Genetics Tuebingen Variant Classification Criteria Version 2. Collection method: clinical testing. Allele origin: germline. Affected: yes. Observed: 5 variant alleles.
Comment: FANCD2: BP4, BP7

Labcorp Genetics (formerly Invitae), Labcorp
Classification: Likely benign for Fanconi anemia. Last evaluated: 2026-01-18. Review status: criteria provided, single submitter. Criteria: Invitae Variant Classification Sherloc (09022015). Collection method: clinical testing. Allele origin: germline.

Blueprint Genetics
Classification: Likely benign. Last evaluated: 2024-01-11. Review status: criteria provided, single submitter. Criteria: ACMG Guidelines, 2015. Collection method: clinical testing. Allele origin: germline.

Illumina Laboratory Services, Illumina
Classification: Uncertain significance for Fanconi anemia complementation group D2. Last evaluated: 2018-01-13. Review status: criteria provided, single submitter. Criteria: ICSL Variant Classification Criteria 13 December 2019. Collection method: clinical testing. Allele origin: germline.

NM_001018115.3(FANCD2):c.2418T>G (p.Pro806=)

Genes: FANCD2 (FA complementation group D2; plus strand), LOC107303338 (3p25 FANCD2 Alu-mediated recombination region; plus strand). Cytogenetic location: 3p25.3.
Variant type: single nucleotide variant.
Coding change: c.2418T>G on transcript NM_001018115.3 (MANE Select); coding-DNA position 2418, T replaced by G.
Protein change: p.Pro806=; no amino-acid change (proline 806 retained).
Molecular consequence: synonymous variant.
Genome position (GRCh38, 1-based): chr3:10,067,241, T>G. VCF-style: chr3-10067241-T-G. GRCh37 (hg19) VCF-style: chr3-10108925-T-G.
Other names: c.2418T>G, p.Pro806= (NM_001319984.2, NM_001374254.1, NM_033084.6); c.2307T>G, p.Pro769= (NM_001374253.1).
Identifiers: ClinVar variation 414655 (VCV000414655.39), dbSNP rs61751577, ClinGen allele CA2250078.